The following is an entry in ClinVar:

ClinVar aggregate classification (germline): Likely benign (1 of 4 stars; one submission).

Allele frequency attached by ClinVar (database versions not stated): gnomAD exomes 0.00024; gnomAD 0.00028; TOPMed 0.00042; ExAC 0.00049; ESP Exome Variant Server 0.00054.
gnomAD v4.1: 459 of 1,610,470 alleles (0.029%); highest among the groups gnomAD compares: Admixed American, 0.049%; 2 homozygotes.

Submission:

CeGaT Center for Human Genetics Tuebingen
Classification: Likely benign. Last evaluated: 2022-05-01. Review status: criteria provided, single submitter. Criteria: CeGaT Center For Human Genetics Tuebingen Variant Classification Criteria Version 2. Collection method: clinical testing. Allele origin: germline. Affected: yes. Observed: 1 variant allele.
Comment: AKAP13: BP4, BP7

NM_007200.5(AKAP13):c.7761G>A (p.Leu2587=)

Gene: AKAP13 (A-kinase anchoring protein 13; plus strand). Cytogenetic location: 15q25.3.
Variant type: single nucleotide variant.
Coding change: c.7761G>A on transcript NM_007200.5 (MANE Select); coding-DNA position 7761, G replaced by A.
Protein change: p.Leu2587=; no amino-acid change (leucine 2587 retained).
Molecular consequence: synonymous variant.
Genome position (GRCh38, 1-based): chr15:85,741,198, G>A. VCF-style: chr15-85741198-G-A. GRCh37 (hg19) VCF-style: chr15-86284429-G-A.
Other names: c.3624G>A, p.Leu1208= (NM_001270546.1); c.7773G>A, p.Leu2591= (NM_006738.6).
Identifiers: ClinVar variation 2645662 (VCV002645662.24), dbSNP rs375323361, ClinGen allele CA7714302.